The following is an entry in ClinVar:

ClinVar aggregate classification (germline): Uncertain significance. Review status: criteria provided, multiple submitters, no conflicts (2 of 4 stars). 2 submissions from 2 submitters: Uncertain significance (2). Last evaluated 2025-03-04.

Allele frequency attached by ClinVar (database versions not stated): gnomAD 0.00001.
gnomAD v4.1: 6 of 1,612,920 alleles (0.00037%); highest among the groups gnomAD compares: Non-Finnish European, 0.00034%; no homozygotes.

Submissions (2):

Center for Genomic Medicine, Rigshospitalet, Copenhagen University Hospital
Classification: Uncertain significance. Last evaluated: 2025-03-04. Review status: criteria provided, single submitter. Criteria: ACMG Guidelines, 2015. Collection method: clinical testing. Allele origin: germline.

Labcorp Genetics (formerly Invitae), Labcorp
Classification: Uncertain significance. Last evaluated: 2024-07-23. Review status: criteria provided, single submitter. Criteria: Invitae Variant Classification Sherloc (09022015). Collection method: clinical testing. Allele origin: germline.
Comment: This sequence change replaces arginine, which is basic and polar, with glutamine, which is neutral and polar, at codon 551 of the TCF3 protein (p.Arg551Gln). The frequency data for this variant in the population databases is considered unreliable, as metrics indicate poor data quality at this position in the gnomAD database. This variant has not been reported in the literature in individuals affected with TCF3-related conditions. Advanced modeling of protein sequence and biophysical properties (such as structural, functional, and spatial information, amino acid conservation, physicochemical variation, residue mobility, and thermodynamic stability) performed at Invitae indicates that this missense variant is expected to disrupt TCF3 protein function with a positive predictive value of 80%. In summary, the available evidence is currently insufficient to determine the role of this variant in disease. Therefore, it has been classified as a Variant of Uncertain Significance.

Literature cited by the submitters: PubMed 24216514 (cited by Center for Genomic Medicine, Rigshospitalet, Copenhagen University Hospital); PubMed 37277074 (cited by Center for Genomic Medicine, Rigshospitalet, Copenhagen University Hospital).

NM_003200.5(TCF3):c.1652G>A (p.Arg551Gln)

Gene: TCF3 (transcription factor 3; minus strand). Cytogenetic location: 19p13.3.
Variant type: single nucleotide variant.
Coding change: c.1652G>A on transcript NM_003200.5 (MANE Select); coding-DNA position 1652, G replaced by A.
Protein change: p.Arg551Gln; replaces arginine 551 with glutamine.
Molecular consequence: missense variant. On other transcripts: intron variant (2).
Genome position (GRCh38, 1-based): chr19:1,615,455, C>T on the plus strand (G>A on the coding strand, the complement: TCF3 is on the minus strand). VCF-style: chr19-1615455-C-T. GRCh37 (hg19) VCF-style: chr19-1615454-C-T.
Other names: c.1649G>A, p.Arg550Gln (NM_001351778.2); c.1586+231G>A (NM_001136139.4, NM_001351779.2); short protein forms R550Q, R551Q.
Identifiers: ClinVar variation 2692030 (VCV002692030.4), dbSNP rs1245686056, ClinGen allele CA403050747.